The following is an entry in ClinVar:

ClinVar aggregate classification (germline): Likely pathogenic (1 of 4 stars; one submission).

Submission:

GeneDx
Classification: Likely pathogenic. Last evaluated: 2020-03-05. Review status: criteria provided, single submitter. Criteria: GeneDx Variant Classification Process June 2021. Collection method: clinical testing. Allele origin: germline. Affected: yes.
Comment: Not observed in large population cohorts (Lek et al., 2016); Missense variants in this gene are often considered pathogenic (Stenson et al., 2014); In silico analysis supports that this missense variant has a deleterious effect on protein structure/function; Has not been previously published as pathogenic or benign to our knowledge; This substitution is predicted to be within the transmembrane segment S3

NM_172107.4(KCNQ2):c.505T>C (p.Cys169Arg)

Gene: KCNQ2 (potassium voltage-gated channel subfamily Q member 2; minus strand). Cytogenetic location: 20q13.33.
Variant type: single nucleotide variant.
Coding change: c.505T>C on transcript NM_172107.4 (MANE Select); coding-DNA position 505, T replaced by C.
Protein change: p.Cys169Arg; replaces cysteine 169 with arginine.
Molecular consequence: missense variant.
Genome position (GRCh38, 1-based): chr20:63,445,247, A>G on the plus strand (T>C on the coding strand, the complement: KCNQ2 is on the minus strand). VCF-style: chr20-63445247-A-G. GRCh37 (hg19) VCF-style: chr20-62076600-A-G.
Other names: c.505T>C, p.Cys169Arg (NM_004518.6, NM_172106.3, NM_172108.5 and 1 more transcripts); short protein forms C169R.
Identifiers: ClinVar variation 450447 (VCV000450447.3), dbSNP rs1555873939, ClinGen allele CA409655077.